The following is an entry in ClinVar:

NM_001709.5(BDNF):c.610del (p.Trp204fs)

Genes: BDNF (brain derived neurotrophic factor; minus strand), BDNF-AS (BDNF antisense RNA; plus strand). Cytogenetic location: 11p14.1.
Variant type: Deletion.
Coding change: c.610del on transcript NM_001709.5 (MANE Select); coding-DNA position 610, one base deleted (T; older notation c.610delT).
Protein change: p.Trp204fs; shifts the reading frame from tryptophan 204.
Molecular consequence: frameshift variant.
Genome position (GRCh38, 1-based): chr11:27,657,955, A deleted on the plus strand (T on the coding strand, the reverse complement: BDNF is on the minus strand); the first of 2 consecutive A bases (chr11:27,657,955-27,657,956); deleting either gives the same sequence. VCF-style (leftmost placement, unchanged base first): chr11-27657954-CA-C. GRCh37 (hg19) VCF-style: chr11-27679501-CA-C.
Other names: c.610del, p.Trp204fs (NM_001143805.1, NM_001143806.1, NM_001143807.2 and 9 more transcripts); c.697del, p.Trp233fs (NM_001143809.2); c.856del, p.Trp286fs (NM_001143810.2); c.634del, p.Trp212fs (NM_170731.5); c.655del, p.Trp219fs (NM_170734.4); short protein forms W212fs, W204fs, W233fs, W219fs, W286fs.
Identifiers: ClinVar variation 2845218 (VCV002845218.3), dbSNP rs2538961475, ClinGen allele CA2739270380.
Genomic context (GRCh38, chr11:27,657,954, plus strand): 5'-TTTTTGCTATCCATGGTAAGGGCCCGCACGTACGACTGGGTAGTTCGGCACTGGGAGTTC[CA>C]ATGCCTTTTGTCTATGCCCCTGCAGCCTTCTTTTGTGTAACCCATGGGATTGCACTTGGT-3'

ClinVar aggregate classification (germline): Uncertain significance (1 of 4 stars; one submission).

Submission:

Labcorp Genetics (formerly Invitae), Labcorp
Classification: Uncertain significance. Last evaluated: 2023-03-12. Review status: criteria provided, single submitter. Criteria: Invitae Variant Classification Sherloc (09022015). Collection method: clinical testing. Allele origin: germline.
Comment: In summary, the available evidence is currently insufficient to determine the role of this variant in disease. Therefore, it has been classified as a Variant of Uncertain Significance. This variant has not been reported in the literature in individuals affected with BDNF-related conditions. This variant is not present in population databases (gnomAD no frequency). This sequence change creates a premature translational stop signal (p.Trp204Glyfs*28) in the BDNF gene. While this is not anticipated to result in nonsense mediated decay, it is expected to disrupt the last 44 amino acid(s) of the BDNF protein.